The following is an entry in ClinVar:

NM_000238.4(KCNH2):c.2842C>T (p.Arg948Cys)

Gene: KCNH2 (potassium voltage-gated channel subfamily H member 2; minus strand). Cytogenetic location: 7q36.1.
Variant type: single nucleotide variant.
Coding change: c.2842C>T on transcript NM_000238.4 (MANE Select); coding-DNA position 2842, C replaced by T.
Protein change: p.Arg948Cys; replaces arginine 948 with cysteine.
Molecular consequence: missense variant.
Genome position (GRCh38, 1-based): chr7:150,947,729, G>A on the plus strand (C>T on the coding strand, the complement: KCNH2 is on the minus strand). VCF-style: chr7-150947729-G-A. GRCh37 (hg19) VCF-style: chr7-150644817-G-A.
Other names: c.1822C>T, p.Arg608Cys (NM_172057.3); c.2842C>T (LRG_288t1); short protein forms R948C, R608C.
Identifiers: ClinVar variation 14441 (VCV000014441.17), dbSNP rs121912514, ClinGen allele CA007496.

ClinVar aggregate classification (germline): Conflicting classifications of pathogenicity. Review status: criteria provided, conflicting classifications (1 of 4 stars). 8 submissions from 8 submitters: Uncertain significance (5); Likely benign (1). 2 of the submissions do not count toward it. Last evaluated 2026-03-20.

Conditions:
Cardiac arrhythmia. Also called: Cardiac rhythm disease; Arrhythmia. Identifiers: MedGen C0003811, MONDO:0007263, HP:0011675.
Familial long QT syndrome (RWS). Also called: Romano-Ward syndrome; VENTRICULAR FIBRILLATION WITH PROLONGED QT INTERVAL; Congenital long QT syndrome. Identifiers: Orphanet 768, MedGen C1141890, MONDO:0019171.
Long QT syndrome 1/2, digenic (LQT1/2, DIGENIC). Also called: Long QT syndrome 1/2. Identifiers: MedGen C3277700.
Long QT syndrome 2 (LQT2). Identifiers: Orphanet 101016, Orphanet 768, MedGen C3150943, MONDO:0013367, OMIM 613688.
Short QT syndrome type 1. Identifiers: Orphanet 51083, MedGen C1865020, MONDO:0012312, OMIM 609620.
Long QT syndrome (LQTS). Identifiers: MedGen C0023976, MeSH D008133, MONDO:0002442. Disease mechanism: loss of function. Inheritance: Various modes of inheritance.

Allele frequency attached by ClinVar (database versions not stated): TOPMed 0.00002; gnomAD 0.00001; ExAC 0.00012.
gnomAD v4.1: 52 of 1,565,084 alleles (0.0033%); highest among the groups gnomAD compares: South Asian, 0.024%; no homozygotes.

Submissions (8):

Women's Health and Genetics/Laboratory Corporation of America, LabCorp
Classification: Uncertain significance. Last evaluated: 2026-03-20. Review status: criteria provided, single submitter. Criteria: LabCorp Variant Classification Summary - May 2015. Collection method: clinical testing. Allele origin: germline.
Comment: Variant summary: KCNH2 c.2842C>T (p.Arg948Cys) results in a non-conservative amino acid change in the encoded protein sequence. Algorithms developed to predict the effect of missense changes on protein structure and function all suggest that this variant is likely to be disruptive. The variant allele was found at a frequency of 6e-05 in 166182 control chromosomes (gnomAD). This frequency is not significantly higher than estimated for disease-causing variants in KCNH2, allowing no conclusion about variant significance. c.2842C>T has been observed in individuals affected with Long QT Syndrome (Millat_2006, Li_2019). These reports do not provide unequivocal conclusions about association of the variant with Arrhythmia. To our knowledge, no experimental evidence demonstrating an impact on protein function has been reported. The following publications have been ascertained in the context of this evaluation (PMID: 31521807, 16922724). ClinVar contains an entry for this variant (Variation ID: 14441). Based on the evidence outlined above, the variant was classified as uncertain significance.

Labcorp Genetics (formerly Invitae), Labcorp
Classification: Uncertain significance for Long QT syndrome. Last evaluated: 2026-01-19. Review status: criteria provided, single submitter. Criteria: Invitae Variant Classification Sherloc (09022015). Collection method: clinical testing. Allele origin: germline.
Comment: This sequence change replaces arginine, which is basic and polar, with cysteine, which is neutral and slightly polar, at codon 948 of the KCNH2 protein (p.Arg948Cys). This variant is present in population databases (rs121912514, gnomAD 0.03%). This missense change has been observed in individual(s) with long QT syndrome (PMID: 16922724, 31521807). ClinVar contains an entry for this variant (Variation ID: 14441). An algorithm developed to predict the effect of missense changes on protein structure and function (PolyPhen-2) suggests that this variant is likely to be tolerated. In summary, the available evidence is currently insufficient to determine the role of this variant in disease. Therefore, it has been classified as a Variant of Uncertain Significance.

Color Diagnostics, LLC DBA Color Health
Classification: Likely benign for Cardiac arrhythmia. Last evaluated: 2024-09-09. Review status: criteria provided, single submitter. Criteria: ACMG Guidelines, 2015. Collection method: clinical testing. Allele origin: germline.

All of Us Research Program, National Institutes of Health
Classification: Uncertain significance for Long QT syndrome. Last evaluated: 2024-03-05. Review status: criteria provided, single submitter. Criteria: ACMG Guidelines, 2015. Collection method: clinical testing. Allele origin: germline. Inheritance: Autosomal dominant inheritance. Observed: 6 variant alleles, 6 heterozygotes.
Comment: This missense variant replaces arginine with cysteine at codon 948 of the KCNH2 protein. Computational prediction is inconclusive regarding the impact of this variant on protein structure and function (internally defined REVEL score threshold 0.5 < inconclusive < 0.7, PMID: 27666373). To our knowledge, functional studies have not been performed for this variant. This variant has been reported in two individuals affected with long QT syndrome (PMID: 16922724, 31521807). This variant has been identified in 10/166182 chromosomes in the general population by the Genome Aggregation Database (gnomAD). The available evidence is insufficient to determine the role of this variant in disease conclusively. Therefore, this variant is classified as a Variant of Uncertain Significance.

This study involves interpretation of variants in research participants for the purpose of population health screening. Participant phenotype was not available at the time of variant classification. Additional details can be found in publication PMID: 35346344, PMCID: PMC8962531

GeneDx
Classification: Uncertain significance. Last evaluated: 2021-12-09. Review status: criteria provided, single submitter. Criteria: GeneDx Variant Classification Process June 2021. Collection method: clinical testing. Allele origin: germline. Affected: yes.
Comment: In silico analysis supports that this missense variant does not alter protein structure/function; Observed in an individual with dilated cardiomyopathy and arrhythmia (Li et al., 2020); This variant is associated with the following publications: (PMID: 16922724, 31589614, 30609406, 31521807)

Fulgent Genetics
Classification: Uncertain significance for Short QT syndrome type 1; Long QT syndrome 2. Last evaluated: 2021-10-01. Review status: criteria provided, single submitter. Criteria: ACMG Guidelines, 2015. Collection method: clinical testing. Allele origin: unknown.

OMIM
Classification: Pathogenic for LONG QT SYNDROME 1/2, DIGENIC. Last evaluated: 2006-09-01. Review status: no assertion criteria provided. Collection method: literature only. Allele origin: germline. Not counted in ClinVar's aggregate classification.

Cardiovascular Biomedical Research Unit, Royal Brompton & Harefield NHS Foundation Trust
No classification provided. Condition: Familial long QT syndrome. Review status: no classification provided. Collection method: literature only. Allele origin: germline. Not counted in ClinVar's aggregate classification.
Comment: This variant has been reported as associated with Long QT syndrome in the following publications (PMID:16922724). This is a literature report, and does not necessarily reflect the clinical interpretation of the Imperial College / Royal Brompton Cardiovascular Genetics laboratory.

Literature cited by the submitters: PubMed 16922724 (cited by 5 submitters); PubMed 31521807 (cited by 3 submitters); PubMed 22581653 (cited by Cardiovascular Biomedical Research Unit, Royal Brompton & Harefield NHS Foundation Trust).